The following is an entry in ClinVar:

ClinVar aggregate classification (germline): Uncertain significance (1 of 4 stars; one submission).

Conditions:
Singleton-Merten syndrome 1 (SGMRT1). Also called: Widened medullary cavities of bone, aortic calcification, abnormal dentition, and muscular weakness; Syndrome of widened medullary cavities of the metacarpals and phalanges, aortic calcification and abnormal dentition. Identifiers: Orphanet 85191, MedGen C4225427, MONDO:0024535, OMIM 182250.
Aicardi-Goutieres syndrome 7 (AGS7). Identifiers: Orphanet 51, MedGen C3888244, MONDO:0014367, OMIM 615846.

gnomAD v4.1: 1 of 1,591,256 alleles (0.000063%); highest among the groups gnomAD compares: East Asian, 0.0022%; no homozygotes.

Submission:

Labcorp Genetics (formerly Invitae), Labcorp
Classification: Uncertain significance for Aicardi-Goutieres syndrome 7; Singleton-Merten syndrome 1. Last evaluated: 2025-11-04. Review status: criteria provided, single submitter. Criteria: Invitae Variant Classification Sherloc (09022015). Collection method: clinical testing. Allele origin: germline.
Comment: This sequence change replaces leucine, which is neutral and non-polar, with serine, which is neutral and polar, at codon 144 of the IFIH1 protein (p.Leu144Ser). This variant is not present in population databases (gnomAD no frequency). This variant has not been reported in the literature in individuals affected with IFIH1-related conditions. Invitae Evidence Modeling of protein sequence and biophysical properties (such as structural, functional, and spatial information, amino acid conservation, physicochemical variation, residue mobility, and thermodynamic stability) has been performed for this missense variant. However, the output from this modeling did not meet the statistical confidence thresholds required to predict the impact of this variant on IFIH1 protein function. In summary, the available evidence is currently insufficient to determine the role of this variant in disease. Therefore, it has been classified as a Variant of Uncertain Significance.

NM_022168.4(IFIH1):c.431T>C (p.Leu144Ser)

Gene: IFIH1 (interferon induced with helicase C domain 1; minus strand). Cytogenetic location: 2q24.2.
Variant type: single nucleotide variant.
Coding change: c.431T>C on transcript NM_022168.4 (MANE Select); coding-DNA position 431, T replaced by C.
Protein change: p.Leu144Ser; replaces leucine 144 with serine.
Molecular consequence: missense variant.
Genome position (GRCh38, 1-based): chr2:162,317,877, A>G on the plus strand (T>C on the coding strand, the complement: IFIH1 is on the minus strand). VCF-style: chr2-162317877-A-G. GRCh37 (hg19) VCF-style: chr2-163174387-A-G.
Other names: short protein forms L144S.
Identifiers: ClinVar variation 4789328 (VCV004789328.1).
Genomic context (GRCh38, chr2:162,317,877, plus strand): 5'-CTGCCTAAAAGGCTAGCTCCATCTGAACAGACACCTACCCGGTTTCTGTCTTCAATTGTC[A>G]ACAGTTCCTCCTCCATGCACTTATCCAAGACGTCTCTAACTAGAAGCTTGTCCACCAGAG-3'
Protein context (NP_071451.2, residues 134-154): VLDKCMEEEL[Leu144Ser]TIEDRNRIAA